The following is an entry in ClinVar:

ClinVar aggregate classification (germline): Uncertain significance (1 of 4 stars; one submission).

Conditions:
Pulmonary hypertension, primary, 4. Identifiers: Orphanet 422, MedGen C3809198, MONDO:0014136, OMIM 615344.

Allele frequency attached by ClinVar (database versions not stated): gnomAD exomes below 0.00001.
gnomAD v4.1: 1 of 1,493,834 alleles (0.000067%); highest among the groups gnomAD compares: Non-Finnish European, 0.000089%; no homozygotes.

Submission:

Labcorp Genetics (formerly Invitae), Labcorp
Classification: Uncertain significance for Pulmonary hypertension, primary, 4. Last evaluated: 2022-06-07. Review status: criteria provided, single submitter. Criteria: Invitae Variant Classification Sherloc (09022015). Collection method: clinical testing. Allele origin: germline.
Comment: In summary, the available evidence is currently insufficient to determine the role of this variant in disease. Therefore, it has been classified as a Variant of Uncertain Significance. Algorithms developed to predict the effect of missense changes on protein structure and function are either unavailable or do not agree on the potential impact of this missense change (SIFT: "Deleterious"; PolyPhen-2: "Possibly Damaging"; Align-GVGD: "Class C0"). This variant has not been reported in the literature in individuals affected with KCNK3-related conditions. This variant is not present in population databases (gnomAD no frequency). This sequence change replaces alanine, which is neutral and non-polar, with glutamic acid, which is acidic and polar, at codon 10 of the KCNK3 protein (p.Ala10Glu).

NM_002246.3(KCNK3):c.29C>A (p.Ala10Glu)

Gene: KCNK3 (potassium two pore domain channel subfamily K member 3; plus strand). Cytogenetic location: 2p23.3.
Variant type: single nucleotide variant.
Coding change: c.29C>A on transcript NM_002246.3 (MANE Select); coding-DNA position 29, C replaced by A.
Protein change: p.Ala10Glu; replaces alanine 10 with glutamic acid.
Molecular consequence: missense variant.
Genome position (GRCh38, 1-based): chr2:26,692,904, C>A. VCF-style: chr2-26692904-C-A. GRCh37 (hg19) VCF-style: chr2-26915772-C-A.
Other names: short protein forms A10E.
Identifiers: ClinVar variation 1940468 (VCV001940468.5), dbSNP rs1447822219, ClinGen allele CA346260872.